The following is an entry in ClinVar:

NM_153240.5(NPHP3):c.2266C>T (p.Arg756Trp)

Genes: NPHP3 (nephrocystin 3; minus strand), NPHP3-ACAD11 (NPHP3-ACAD11 readthrough (NMD candidate); minus strand). Cytogenetic location: 3q22.1.
Variant type: single nucleotide variant.
Coding change: c.2266C>T on transcript NM_153240.5 (MANE Select); coding-DNA position 2266, C replaced by T.
Protein change: p.Arg756Trp; replaces arginine 756 with tryptophan.
Molecular consequence: missense variant. On other transcripts: non-coding transcript variant (1).
Genome position (GRCh38, 1-based): chr3:132,694,871, G>A on the plus strand (C>T on the coding strand, the complement: NPHP3 is on the minus strand). VCF-style: chr3-132694871-G-A. GRCh37 (hg19) VCF-style: chr3-132413715-G-A.
Other names: c.2266C>T (NM_153240.4); short protein forms R756W.
Identifiers: ClinVar variation 498139 (VCV000498139.13), dbSNP rs183049702, ClinGen allele CA2622065.
Genomic context (GRCh38, chr3:132,694,871, plus strand): 5'-GTTTATTACATTCTACCTGCTTCATTAGCTCTTTATCCACATCATTTGCCATGGACTCCC[G>A]GATAGAGTGCAGAACAAGTCTATATAATGAAAGAGTATCTTGACACTGGAAACACTGATG-3'
Protein context (NP_694972.3, residues 746-766): SLYRLVLHSI[Arg756Trp]ESMANDVDKE

ClinVar aggregate classification (germline): Uncertain significance. Review status: criteria provided, multiple submitters, no conflicts (2 of 4 stars). 4 submissions from 4 submitters: Uncertain significance (4). Last evaluated 2025-12-17.

Conditions:
Inborn genetic diseases. Identifiers: MedGen C0950123, MeSH D030342.
Nephronophthisis. Also called: Juvenile Nephronophthisis. Identifiers: Orphanet 655, MedGen C0687120, MONDO:0019005, HP:0000090.
Nephronophthisis 3 (NPHP3). Also called: Adolescent nephronophthisis. Identifiers: Orphanet 655, MedGen C1858392, MONDO:0011456, OMIM 604387.
NPHP3-related Meckel-like syndrome. Also called: GOLDSTON SYNDROME; Meckel syndrome type 7. Identifiers: Orphanet 3032, MedGen C2673885, MONDO:0009966, OMIM 267010.
Renal-hepatic-pancreatic dysplasia 1 (RHPD1). Identifiers: MedGen C3715199, MONDO:0008833, OMIM 208540.

Allele frequency attached by ClinVar (database versions not stated): gnomAD exomes 0.00001 and 0.00006; ExAC 0.00003; TOPMed 0.00005; gnomAD 0.00006 and 0.00007; ESP Exome Variant Server 0.00008; 1000 Genomes Project 30x 0.00016; 1000 Genomes Project 0.00020.
gnomAD v4.1: 27 of 1,613,610 alleles (0.0017%); highest among the groups gnomAD compares: Admixed American, 0.01%; no homozygotes.

Submissions (4):

Labcorp Genetics (formerly Invitae), Labcorp
Classification: Uncertain significance for Nephronophthisis. Last evaluated: 2025-12-17. Review status: criteria provided, single submitter. Criteria: Invitae Variant Classification Sherloc (09022015). Collection method: clinical testing. Allele origin: germline.
Comment: This sequence change replaces arginine, which is basic and polar, with tryptophan, which is neutral and slightly polar, at codon 756 of the NPHP3 protein (p.Arg756Trp). This variant is present in population databases (rs183049702, gnomAD 0.02%). This variant has not been reported in the literature in individuals affected with NPHP3-related conditions. ClinVar contains an entry for this variant (Variation ID: 498139). Invitae Evidence Modeling of protein sequence and biophysical properties (such as structural, functional, and spatial information, amino acid conservation, physicochemical variation, residue mobility, and thermodynamic stability) indicates that this missense variant is not expected to disrupt NPHP3 protein function with a negative predictive value of 80%. Algorithms developed to predict the effect of sequence changes on RNA splicing suggest that this variant may disrupt the consensus splice site. In summary, the available evidence is currently insufficient to determine the role of this variant in disease. Therefore, it has been classified as a Variant of Uncertain Significance.

Ambry Genetics
Classification: Uncertain significance for Inborn genetic diseases. Last evaluated: 2025-08-03. Review status: criteria provided, single submitter. Criteria: Ambry Variant Classification Scheme 2023. Collection method: clinical testing. Allele origin: germline.

Fulgent Genetics
Classification: Uncertain significance for Renal-hepatic-pancreatic dysplasia 1; NPHP3-related Meckel-like syndrome; Nephronophthisis 3. Last evaluated: 2021-12-09. Review status: criteria provided, single submitter. Criteria: ACMG Guidelines, 2015. Collection method: clinical testing. Allele origin: unknown.

Eurofins Ntd Llc (ga)
Classification: Uncertain significance. Last evaluated: 2016-10-24. Review status: criteria provided, single submitter. Criteria: EGL Classification Definitions 2015. Collection method: clinical testing. Allele origin: germline. Observed: 1 variant allele, 1 heterozygote.